The following is an entry in ClinVar:

NM_001329630.2(PLEKHA7):c.3039G>A (p.Thr1013=)

Gene: PLEKHA7 (pleckstrin homology domain containing A7; minus strand). Cytogenetic location: 11p15.2.
Variant type: single nucleotide variant.
Coding change: c.3039G>A on transcript NM_001329630.2 (MANE Select); coding-DNA position 3039, G replaced by A.
Protein change: p.Thr1013=; no amino-acid change (threonine 1013 retained).
Molecular consequence: synonymous variant.
Genome position (GRCh38, 1-based): chr11:16,790,811, C>T on the plus strand (G>A on the coding strand, the complement: PLEKHA7 is on the minus strand). VCF-style: chr11-16790811-C-T. GRCh37 (hg19) VCF-style: chr11-16812358-C-T.
Other names: c.3042G>A, p.Thr1014= (NM_001329631.2, NM_001410960.1); c.3039G>A, p.Thr1013= (NM_175058.5).
Identifiers: ClinVar variation 3040172 (VCV003040172.2), dbSNP rs758985894, ClinGen allele CA5898903.

ClinVar aggregate classification (germline): Likely benign (0 of 4 stars; one submission).

Conditions:
PLEKHA7-related disorder. Also called: PLEKHA7-related condition.

Allele frequency attached by ClinVar (database versions not stated): TOPMed below 0.00001; gnomAD 0.00001; gnomAD exomes 0.00001; ExAC 0.00004.
gnomAD v4.1: 21 of 1,608,402 alleles (0.0013%); highest among the groups gnomAD compares: Admixed American, 0.01%; no homozygotes.

Submission:

PreventionGenetics, part of Exact Sciences
Classification: Likely benign for PLEKHA7-related condition. Last evaluated: 2019-09-17. Review status: no assertion criteria provided. Collection method: clinical testing. Allele origin: germline.
Comment: This variant is classified as likely benign based on ACMG/AMP sequence variant interpretation guidelines (Richards et al. 2015 PMID: 25741868, with internal and published modifications).